The following is an entry in ClinVar:

ClinVar aggregate classification (germline): Uncertain significance. Review status: criteria provided, multiple submitters, no conflicts (2 of 4 stars). 2 submissions from 2 submitters: Uncertain significance (2). Last evaluated 2023-12-11.

Allele frequency attached by ClinVar (database versions not stated): ExAC 0.00012; gnomAD exomes 0.00017; 1000 Genomes Project 0.00060; 1000 Genomes Project 30x 0.00062.
gnomAD v4.1: 131 of 1,614,158 alleles (0.0081%); highest among the groups gnomAD compares: Admixed American, 0.05%; no homozygotes.

Submissions (2):

Labcorp Genetics (formerly Invitae), Labcorp
Classification: Uncertain significance. Last evaluated: 2023-12-11. Review status: criteria provided, single submitter. Criteria: Invitae Variant Classification Sherloc (09022015). Collection method: clinical testing. Allele origin: germline.
Comment: This sequence change replaces arginine, which is basic and polar, with tryptophan, which is neutral and slightly polar, at codon 469 of the C8A protein (p.Arg469Trp). This variant is present in population databases (rs199713008, gnomAD 0.05%). This variant has not been reported in the literature in individuals affected with C8A-related conditions. ClinVar contains an entry for this variant (Variation ID: 1440433). An algorithm developed to predict the effect of missense changes on protein structure and function (PolyPhen-2) suggests that this variant¬†is likely to be tolerated. In summary, the available evidence is currently insufficient to determine the role of this variant in disease. Therefore, it has been classified as a Variant of Uncertain Significance.

Breakthrough Genomics
Classification: Uncertain significance. Review status: criteria provided, single submitter. Criteria: ACMG Guidelines, 2015. Collection method: not provided. Allele origin: germline. Inheritance: Autosomal recessive inheritance. Affected: yes.

NM_000562.3(C8A):c.1405C>T (p.Arg469Trp)

Gene: C8A (complement C8 alpha chain; plus strand). Cytogenetic location: 1p32.2.
Variant type: single nucleotide variant.
Coding change: c.1405C>T on transcript NM_000562.3 (MANE Select); coding-DNA position 1405, C replaced by T.
Protein change: p.Arg469Trp; replaces arginine 469 with tryptophan.
Molecular consequence: missense variant.
Genome position (GRCh38, 1-based): chr1:56,912,427, C>T. VCF-style: chr1-56912427-C-T. GRCh37 (hg19) VCF-style: chr1-57378100-C-T.
Other names: short protein forms R469W.
Identifiers: ClinVar variation 1440433 (VCV001440433.5), dbSNP rs199713008, ClinGen allele CA875378.